The following is an entry in ClinVar:

ClinVar aggregate classification (germline): Likely pathogenic. Review status: reviewed by expert panel (3 of 4 stars). 4 submissions from 4 submitters: Likely pathogenic (1). 3 of the submissions do not count toward it. Last evaluated 2020-09-12.

Conditions:
Phenylketonuria (PKU). Also called: Phenylketonuria (PKU); FOLLING DISEASE; OLIGOPHRENIA PHENYLPYRUVICA; Phenylketonurias. Identifiers: Orphanet 716, MedGen C0031485, MONDO:0009861, OMIM 261600. Disease mechanism: loss of function.

Allele frequency attached by ClinVar (database versions not stated): gnomAD exomes below 0.00001.
gnomAD v4.1: 2 of 1,613,766 alleles (0.00012%); highest among the groups gnomAD compares: East Asian, 0.0022%; no homozygotes.

Submissions (4):

ClinGen PAH Variant Curation Expert Panel
Classification: Likely pathogenic for Phenylketonuria. Last evaluated: 2020-09-12. Review status: reviewed by expert panel. Criteria: ClinGen PAH ACMG Specifications v1. Collection method: curation. Allele origin: germline. Inheritance: Autosomal recessive inheritance.
Comment: The c.1194A>G (p.Lys398Lys) variant in PAH has been reported in 1in 2 Chinese patients with moderate/classic PKU and BH4 deficiency excluded. (PMIDs: 25894915, 28982351; PP4_Moderate). Both patients were compound heterozygotes with pathogenic variants R413P and R241C confirmed in trans (PM3_Strong). This variant is present at an extremely low frequency with a MAF of 0.00005438 in the gnomAD East Asian population. (PM2). There is consensus of computational predictors that there is potential alteration of splicing via activation of a cryptic splice site near the end of exon 11.In summary, this variant meets criteria to be classified as Likely Pathogenic for PAH. PAH-specific ACMG/AMP criteria applied: PM2, PM3_Strong, PP3, PP4_Moderate.

Baylor Genetics
Classification: Likely pathogenic for Phenylketonuria. Last evaluated: 2023-11-03. Review status: criteria provided, single submitter. Criteria: ACMG Guidelines, 2015. Collection method: clinical testing. Allele origin: unknown. Not counted in ClinVar's aggregate classification.

Labcorp Genetics (formerly Invitae), Labcorp
Classification: Pathogenic for Phenylketonuria. Last evaluated: 2023-06-15. Review status: criteria provided, single submitter. Criteria: Invitae Variant Classification Sherloc (09022015). Collection method: clinical testing. Allele origin: germline. Not counted in ClinVar's aggregate classification.
Comment: This sequence change affects codon 398 of the PAH mRNA. It is a 'silent' change, meaning that it does not change the encoded amino acid sequence of the PAH protein. For these reasons, this variant has been classified as Pathogenic. Algorithms developed to predict the effect of sequence changes on RNA splicing suggest that this variant may disrupt the consensus splice site. ClinVar contains an entry for this variant (Variation ID: 102550). This variant has been observed in individual(s) with phenylketonuria (PMID: 25894915, 32668217). This variant is present in population databases (rs199475638, gnomAD 0.006%).

DeBelle Laboratory for Biochemical Genetics, MUHC/MCH RESEARCH INSTITUTE
No classification provided. Review status: no classification provided. Collection method: not provided. Allele origin: not provided. Not counted in ClinVar's aggregate classification.

Literature cited by the submitters: PubMed 25894915 (cited by ClinGen PAH Variant Curation Expert Panel and Labcorp Genetics (formerly Invitae), Labcorp); PubMed 10394930 (cited by ClinGen PAH Variant Curation Expert Panel); PubMed 28982351 (cited by ClinGen PAH Variant Curation Expert Panel); PubMed 32668217 (cited by Labcorp Genetics (formerly Invitae), Labcorp).

NM_000277.3(PAH):c.1194A>G (p.Lys398=)

Gene: PAH (phenylalanine hydroxylase; minus strand). Cytogenetic location: 12q23.2.
Variant type: single nucleotide variant.
Coding change: c.1194A>G on transcript NM_000277.3 (MANE Select); coding-DNA position 1194, A replaced by G.
Protein change: p.Lys398=; no amino-acid change (lysine 398 retained).
Molecular consequence: synonymous variant.
Genome position (GRCh38, 1-based): chr12:102,843,651, T>C on the plus strand (A>G on the coding strand, the complement: PAH is on the minus strand). VCF-style: chr12-102843651-T-C. GRCh37 (hg19) VCF-style: chr12-103237429-T-C.
Other names: c.1194A>G, p.Lys398= (NM_001354304.2).
Identifiers: ClinVar variation 102550 (VCV000102550.6), dbSNP rs199475638, ClinGen allele CA229376.